The following is an entry in ClinVar:

ClinVar aggregate classification (germline): Uncertain significance (1 of 4 stars; one submission).

Submission:

GeneDx
Classification: Uncertain significance. Last evaluated: 2022-04-20. Review status: criteria provided, single submitter. Criteria: GeneDx Variant Classification Process June 2021. Collection method: clinical testing. Allele origin: germline. Affected: yes.
Comment: Not observed at significant frequency in large population cohorts (gnomAD); In silico analysis supports that this missense variant has a deleterious effect on protein structure/function; Has not been previously published as pathogenic or benign to our knowledge; This variant is associated with the following publications: (PMID: 26100331, 25609763, 25512093)

NM_001376.5(DYNC1H1):c.9182A>G (p.Asn3061Ser)

Genes: DYNC1H1 (dynein cytoplasmic 1 heavy chain 1; plus strand), LOC126862060 (BRD4-independent group 4 enhancer GRCh37_chr14:102493659-102494858; plus strand). Cytogenetic location: 14q32.31.
Variant type: single nucleotide variant.
Coding change: c.9182A>G on transcript NM_001376.5 (MANE Select); coding-DNA position 9182, A replaced by G.
Protein change: p.Asn3061Ser; replaces asparagine 3061 with serine.
Molecular consequence: missense variant.
Genome position (GRCh38, 1-based): chr14:102,027,752, A>G. VCF-style: chr14-102027752-A-G. GRCh37 (hg19) VCF-style: chr14-102494089-A-G.
Other names: short protein forms N3061S.
Identifiers: ClinVar variation 1712106 (VCV001712106.2), dbSNP rs2503805212, ClinGen allele CA391011378.